The following is an entry in ClinVar:

NM_006231.4(POLE):c.5354C>G (p.Thr1785Arg)

Gene: POLE (DNA polymerase epsilon, catalytic subunit; minus strand). Cytogenetic location: 12q24.33.
Variant type: single nucleotide variant.
Coding change: c.5354C>G on transcript NM_006231.4 (MANE Select); coding-DNA position 5354, C replaced by G.
Protein change: p.Thr1785Arg; replaces threonine 1785 with arginine.
Molecular consequence: missense variant.
Genome position (GRCh38, 1-based): chr12:132,641,671, G>C on the plus strand (C>G on the coding strand, the complement: POLE is on the minus strand). VCF-style: chr12-132641671-G-C. GRCh37 (hg19) VCF-style: chr12-133218257-G-C.
Other names: short protein forms T1785R.
Identifiers: ClinVar variation 4862321 (VCV004862321.1).

ClinVar aggregate classification (germline): Uncertain significance (1 of 4 stars; one submission).

Conditions:
Hereditary cancer-predisposing syndrome. Also called: Neoplastic Syndromes, Hereditary; Tumor predisposition; Hereditary Cancer Syndrome; Hereditary neoplastic syndrome. Identifiers: Orphanet 140162, MedGen C0027672, MeSH D009386, MONDO:0015356.

Submission:

Ambry Genetics
Classification: Uncertain significance for Hereditary cancer-predisposing syndrome. Last evaluated: 2026-05-18. Review status: criteria provided, single submitter. Criteria: Ambry Variant Classification Scheme 2023. Collection method: clinical testing. Allele origin: germline.
Comment: The p.T1785R variant (also known as c.5354C>G), located in coding exon 39 of the POLE gene, results from a C to G substitution at nucleotide position 5354. The threonine at codon 1785 is replaced by arginine, an amino acid with similar properties. This amino acid position is conserved. In addition, the in silico prediction for this alteration is inconclusive. Based on the available evidence, the clinical significance of this variant remains unclear.